The following is an entry in ClinVar:

NM_016239.4(MYO15A):c.838G>A (p.Gly280Arg)

Gene: MYO15A (myosin XVA; plus strand). Cytogenetic location: 17p11.2.
Variant type: single nucleotide variant.
Coding change: c.838G>A on transcript NM_016239.4 (MANE Select); coding-DNA position 838, G replaced by A.
Protein change: p.Gly280Arg; replaces glycine 280 with arginine.
Molecular consequence: missense variant.
Genome position (GRCh38, 1-based): chr17:18,119,638, G>A. VCF-style: chr17-18119638-G-A. GRCh37 (hg19) VCF-style: chr17-18022952-G-A.
Other names: short protein forms G280R.
Identifiers: ClinVar variation 4990257 (VCV004990257.1).

ClinVar aggregate classification (germline): Uncertain significance (1 of 4 stars; one submission).

Conditions:
MYO15A-related disorder. Also called: MYO15A-related condition.

gnomAD v4.1: 17 of 1,603,240 alleles (0.0011%); highest among the groups gnomAD compares: East Asian, 0.0045%; 2 homozygotes.

Submission:

PreventionGenetics, part of Exact Sciences
Classification: Uncertain significance for MYO15A-related condition. Last evaluated: 2026-02-03. Review status: criteria provided, single submitter. Criteria: ACMG Guidelines, 2015. Collection method: clinical testing. Allele origin: germline.
Comment: The MYO15A c.838G>A variant is predicted to result in the amino acid substitution p.Gly280Arg. To our knowledge, this variant has not been reported in the literature. This variant is reported in 0.010% of alleles in individuals of East Asian descent in gnomAD. At this time, the clinical significance of this variant is uncertain due to the absence of conclusive functional and genetic evidence.